The following is an entry in ClinVar:

ClinVar aggregate classification (germline): Uncertain significance. Review status: criteria provided, multiple submitters, no conflicts (2 of 4 stars). 2 submissions from 2 submitters: Uncertain significance (2). Last evaluated 2021-08-24.

Conditions:
Osteogenesis imperfecta (OI). Identifiers: Orphanet 666, MedGen C0029434, MeSH D010013, MONDO:0019019.

Allele frequency attached by ClinVar (database versions not stated): gnomAD exomes 0.00001; ESP Exome Variant Server 0.00008.
gnomAD v4.1: 4 of 1,613,972 alleles (0.00025%); highest among the groups gnomAD compares: Non-Finnish European, 0.00034%; no homozygotes.

Submissions (2):

Labcorp Genetics (formerly Invitae), Labcorp
Classification: Uncertain significance. Last evaluated: 2021-08-24. Review status: criteria provided, single submitter. Criteria: Invitae Variant Classification Sherloc (09022015). Collection method: clinical testing. Allele origin: germline.
Comment: This sequence change replaces cysteine with tyrosine at codon 1348 of the LRP5 protein (p.Cys1348Tyr). The cysteine residue is highly conserved and there is a large physicochemical difference between cysteine and tyrosine. This variant is not present in population databases (ExAC no frequency). This variant has not been reported in the literature in individuals affected with LRP5-related conditions. Advanced modeling of protein sequence and biophysical properties (such as structural, functional, and spatial information, amino acid conservation, physicochemical variation, residue mobility, and thermodynamic stability) performed at Invitae indicates that this missense variant is expected to disrupt LRP5 protein function. In summary, the available evidence is currently insufficient to determine the role of this variant in disease. Therefore, it has been classified as a Variant of Uncertain Significance.

Genome Diagnostics Laboratory, The Hospital for Sick Children
Classification: Uncertain significance for Osteogenesis imperfecta. Last evaluated: 2018-09-01. Review status: criteria provided, single submitter. Criteria: ACMG Guidelines, 2015. Collection method: clinical testing. Allele origin: germline.

NM_002335.4(LRP5):c.4043G>A (p.Cys1348Tyr)

Gene: LRP5 (LDL receptor related protein 5; plus strand). Cytogenetic location: 11q13.2.
Variant type: single nucleotide variant.
Coding change: c.4043G>A on transcript NM_002335.4 (MANE Select); coding-DNA position 4043, G replaced by A.
Protein change: p.Cys1348Tyr; replaces cysteine 1348 with tyrosine.
Molecular consequence: missense variant.
Genome position (GRCh38, 1-based): chr11:68,436,931, G>A. VCF-style: chr11-68436931-G-A. GRCh37 (hg19) VCF-style: chr11-68204399-G-A.
Other names: c.2300G>A, p.Cys767Tyr (NM_001291902.2); short protein forms C1348Y, C767Y.
Identifiers: ClinVar variation 1702020 (VCV001702020.5), dbSNP rs149275252, ClinGen allele CA224253062.